The following is an entry in ClinVar:

NM_000709.4(BCKDHA):c.346_361dup (p.Glu121delinsGlyProHisProLeuTer)

Gene: BCKDHA (branched chain keto acid dehydrogenase E1 subunit alpha; plus strand). Cytogenetic location: 19q13.2.
Variant type: Duplication.
Coding change: c.346_361dup on transcript NM_000709.4 (MANE Select); coding-DNA positions 346 to 361, 16 bases duplicated (GACCGCATCCTCTATG).
Protein change: p.Glu121delinsGlyProHisProLeuTer.
Molecular consequence: nonsense.
Genome position (GRCh38, 1-based): chr19:41,410,980-41,410,995, GACCGCATCCTCTATG duplicated; duplicating any 16 consecutive bases within chr19:41,410,977-41,410,995 gives the same sequence; the c. name uses the placement nearest the transcript's 3' end. VCF-style (leftmost placement, unchanged base first): chr19-41410976-C-CATGGACCGCATCCTCT. GRCh37 (hg19) VCF-style: chr19-41916881-C-CATGGACCGCATCCTCT.
Other names: c.346_361dup, p.Glu121delinsGlyProHisProLeuTer (NM_001164783.2).
Identifiers: ClinVar variation 5015436 (VCV005015436.1).
Genomic context (GRCh38, chr19:41,410,976, plus strand): 5'-CCCGCAGCTGCCGAAGGAGAAGGTGCTGAAGCTCTACAAGAGCATGACACTGCTTAACAC[C>CATGGACCGCATCCTCT]ATGGACCGCATCCTCTATGAGTCTCAGCGGCAGGTGCGTGGGGACAGGACTAGGGGCGGG-3'

ClinVar aggregate classification (germline): Pathogenic (1 of 4 stars; one submission).

Conditions:
Maple syrup urine disease type 1A (MSUD1A). Also called: MSUD type 1A. Identifiers: MedGen C1855369, MONDO:0023691, OMIM 248600.

Submission:

Myriad Genetics, Inc.
Classification: Pathogenic for Maple syrup urine disease type 1A. Last evaluated: 2026-01-18. Review status: criteria provided, single submitter. Criteria: Myriad Autosomal Dominant, Autosomal Recessive and X-Linked Classification Criteria (2023). Collection method: clinical testing. Allele origin: unknown.
Comment: NM_000709.3(BCKDHA):c.346_361dup16(E121Gfs*6) is expected to be pathogenic in the context of maple syrup urine disease type Ia. This variant is predicted to lead to an abnormal or absent protein product due to the creation of a premature termination codon in BCKDHA, a gene where loss-of-function variants are known to be pathogenic. Please note: this variant was assessed in the context of healthy population screening.